The following is an entry in ClinVar:

NM_000222.3(KIT):c.2732C>T (p.Pro911Leu)

Gene: KIT (KIT proto-oncogene, receptor tyrosine kinase; plus strand). Cytogenetic location: 4q12.
Variant type: single nucleotide variant.
Coding change: c.2732C>T on transcript NM_000222.3 (MANE Select); coding-DNA position 2732, C replaced by T.
Protein change: p.Pro911Leu; replaces proline 911 with leucine.
Molecular consequence: missense variant.
Genome position (GRCh38, 1-based): chr4:54,737,210, C>T. VCF-style: chr4-54737210-C-T. GRCh37 (hg19) VCF-style: chr4-55603376-C-T.
Other names: c.2720C>T, p.Pro907Leu (NM_001093772.2, NM_001385292.1); c.2735C>T, p.Pro912Leu (NM_001385284.1); c.2729C>T, p.Pro910Leu (NM_001385285.1); c.2717C>T, p.Pro906Leu (NM_001385286.1); c.2723C>T, p.Pro908Leu (NM_001385288.1); c.2732C>T, p.Pro911Leu (NM_001385290.1); short protein forms P906L, P907L, P908L, P910L, P911L, P912L.
Identifiers: ClinVar variation 1717806 (VCV001717806.6), dbSNP rs772159767, ClinGen allele CA2923845.

ClinVar aggregate classification (germline): Uncertain significance (1 of 4 stars; one submission).

Conditions:
Gastrointestinal stromal tumor. Also called: Gastrointestinal stroma tumor; Gastrointestinal stromal tumor, somatic. Identifiers: Orphanet 44890, MedGen C0238198, MeSH D046152, MONDO:0011719, OMIM 606764, HP:0100723.

gnomAD v4.1: 2 of 1,613,764 alleles (0.00012%); highest among the groups gnomAD compares: South Asian, 0.0011%; no homozygotes.

Submission:

Labcorp Genetics (formerly Invitae), Labcorp
Classification: Uncertain significance for Gastrointestinal stromal tumor. Last evaluated: 2022-08-22. Review status: criteria provided, single submitter. Criteria: Invitae Variant Classification Sherloc (09022015). Collection method: clinical testing. Allele origin: germline.
Comment: In summary, the available evidence is currently insufficient to determine the role of this variant in disease. Therefore, it has been classified as a Variant of Uncertain Significance. Algorithms developed to predict the effect of missense changes on protein structure and function (SIFT, PolyPhen-2, Align-GVGD) all suggest that this variant is likely to be disruptive. This variant has not been reported in the literature in individuals affected with KIT-related conditions. This variant is present in population databases (rs772159767, gnomAD 0.003%). This sequence change replaces proline, which is neutral and non-polar, with leucine, which is neutral and non-polar, at codon 911 of the KIT protein (p.Pro911Leu).